The following is an entry in ClinVar:

ClinVar aggregate classification (germline): Uncertain significance (1 of 4 stars; one submission).

Conditions:
PKHD1-related disorder. Also called: PKHD1-related condition.

Submission:

PreventionGenetics, part of Exact Sciences
Classification: Uncertain significance for PKHD1-related condition. Last evaluated: 2025-09-14. Review status: criteria provided, single submitter. Criteria: ACMG Guidelines, 2015. Collection method: clinical testing. Allele origin: germline.
Comment: The PKHD1 c.5072C>T variant is predicted to result in the amino acid substitution p.Pro1691Leu. To our knowledge, this variant has not been reported in the literature. This variant is reported in 0.011% of alleles in individuals of African descent in gnomAD. At this time, the clinical significance of this variant is uncertain due to the absence of conclusive functional and genetic evidence.

NM_138694.4(PKHD1):c.5072C>T (p.Pro1691Leu)

Genes: PKHD1 (PKHD1 ciliary IPT domain containing fibrocystin/polyductin; minus strand), LOC126859690 (MED14-independent group 3 enhancer GRCh37_chr6:51888848-51890047; plus strand). Cytogenetic location: 6p12.2.
Variant type: single nucleotide variant.
Coding change: c.5072C>T on transcript NM_138694.4 (MANE Select); coding-DNA position 5072, C replaced by T.
Protein change: p.Pro1691Leu; replaces proline 1691 with leucine.
Molecular consequence: missense variant.
Genome position (GRCh38, 1-based): chr6:52,024,738, G>A on the plus strand (C>T on the coding strand, the complement: PKHD1 is on the minus strand). VCF-style: chr6-52024738-G-A. GRCh37 (hg19) VCF-style: chr6-51889536-G-A.
Other names: c.5072C>T, p.Pro1691Leu (NM_170724.3); short protein forms P1691L.
Identifiers: ClinVar variation 4985828 (VCV004985828.1).